The following is an entry in ClinVar:

ClinVar aggregate classification (germline): Uncertain significance (1 of 4 stars; one submission).

Submission:

Labcorp Genetics (formerly Invitae), Labcorp
Classification: Uncertain significance. Last evaluated: 2022-09-27. Review status: criteria provided, single submitter. Criteria: Invitae Variant Classification Sherloc (09022015). Collection method: clinical testing. Allele origin: germline.
Comment: This sequence change replaces isoleucine, which is neutral and non-polar, with asparagine, which is neutral and polar, at codon 259 of the IL2RB protein (p.Ile259Asn). This variant is not present in population databases (gnomAD no frequency). This variant has not been reported in the literature in individuals affected with IL2RB-related conditions. ClinVar contains an entry for this variant (Variation ID: 1350542). Algorithms developed to predict the effect of missense changes on protein structure and function are either unavailable or do not agree on the potential impact of this missense change (SIFT: "Tolerated"; PolyPhen-2: "Possibly Damaging"; Align-GVGD: "Class C0"). In summary, the available evidence is currently insufficient to determine the role of this variant in disease. Therefore, it has been classified as a Variant of Uncertain Significance.

NM_000878.5(IL2RB):c.776T>A (p.Ile259Asn)

Gene: IL2RB (interleukin 2 receptor subunit beta; minus strand). Cytogenetic location: 22q12.3.
Variant type: single nucleotide variant.
Coding change: c.776T>A on transcript NM_000878.5 (MANE Select); coding-DNA position 776, T replaced by A.
Protein change: p.Ile259Asn; replaces isoleucine 259 with asparagine.
Molecular consequence: missense variant.
Genome position (GRCh38, 1-based): chr22:37,135,370, A>T on the plus strand (T>A on the coding strand, the complement: IL2RB is on the minus strand). VCF-style: chr22-37135370-A-T. GRCh37 (hg19) VCF-style: chr22-37531410-A-T.
Other names: c.776T>A, p.Ile259Asn (NM_001346222.1, NM_001346223.2); short protein forms I259N.
Identifiers: ClinVar variation 1350542 (VCV001350542.8), dbSNP rs2146233557, ClinGen allele CA411427004.
Genomic context (GRCh38, chr22:37,135,370, plus strand): 5'-GGAGGAGAACCTTCTTACCATGGCCCGGTGTTCCTGCAGTTGATCAGCAAGTACACTAAG[A>T]TGATGAAGCCAAAAGCCCCGCTGAGGCCCACGAGGAGGTGGCCGAGCCACGGAATGGTGT-3'
Protein context (NP_000869.1, residues 249-269): VGLSGAFGFI[Ile259Asn]LVYLLINCRN